The following is an entry in ClinVar:

NM_003803.4(MYOM1):c.920G>A (p.Arg307His)

Gene: MYOM1 (myomesin 1; minus strand). Cytogenetic location: 18p11.31.
Variant type: single nucleotide variant.
Coding change: c.920G>A on transcript NM_003803.4 (MANE Select); coding-DNA position 920, G replaced by A.
Protein change: p.Arg307His; replaces arginine 307 with histidine.
Molecular consequence: missense variant.
Genome position (GRCh38, 1-based): chr18:3,187,489, C>T on the plus strand (G>A on the coding strand, the complement: MYOM1 is on the minus strand). VCF-style: chr18-3187489-C-T. GRCh37 (hg19) VCF-style: chr18-3187487-C-T.
Other names: c.920G>A, p.Arg307His (NM_019856.2); short protein forms R307H.
Identifiers: ClinVar variation 1766198 (VCV001766198.3), dbSNP rs199520642, ClinGen allele CA401716046.
Genomic context (GRCh38, chr18:3,187,489, plus strand): 5'-GAACTTAACTTGGTGTAATGAATTCTGTTAGCTTTCATAAAGATAACATACCACGTGACA[C>T]GAGGTTCTGGCCAGCCTGCTATGGAGCAATGCAATTTTACATTCTCCTTCTCCCAAACCG-3'
Protein context (NP_003794.3, residues 297-317): HCSIAGWPEP[Arg307His]VTWYKNQVPI

ClinVar aggregate classification (germline): Uncertain significance (1 of 4 stars; one submission).

gnomAD v4.1: 7 of 1,613,266 alleles (0.00043%); highest among the groups gnomAD compares: East Asian, 0.0022%; no homozygotes.

Submission:

Ambry Genetics
Classification: Uncertain significance. Last evaluated: 2025-06-15. Review status: criteria provided, single submitter. Criteria: Ambry Variant Classification Scheme 2023. Collection method: clinical testing. Allele origin: germline.
Comment: The p.R307H variant (also known as c.920G>A), located in coding exon 4 of the MYOM1 gene, results from a G to A substitution at nucleotide position 920. The arginine at codon 307 is replaced by histidine, an amino acid with highly similar properties. This amino acid position is conserved. In addition, this alteration is predicted to be tolerated by in silico analysis. Since supporting evidence is limited at this time, the clinical significance of this alteration remains unclear.